The following is an entry in ClinVar:

NM_006924.5(SRSF1):c.689G>A (p.Arg230Lys)

Genes: SRSF1 (serine and arginine rich splicing factor 1; minus strand), LOC126862603 (BRD4-independent group 4 enhancer GRCh37_chr17:56082218-56083417; plus strand). Cytogenetic location: 17q22.
Variant type: single nucleotide variant.
Coding change: c.689G>A on transcript NM_006924.5 (MANE Select); coding-DNA position 689, G replaced by A.
Protein change: p.Arg230Lys; replaces arginine 230 with lysine.
Molecular consequence: missense variant. On other transcripts: 3 prime UTR variant (1), non-coding transcript variant (2).
Genome position (GRCh38, 1-based): chr17:58,005,464, C>T on the plus strand (G>A on the coding strand, the complement: SRSF1 is on the minus strand). VCF-style: chr17-58005464-C-T. GRCh37 (hg19) VCF-style: chr17-56082825-C-T.
Other names: c.*283G>A (NM_001078166.2); short protein forms R230K.
Identifiers: ClinVar variation 4531670 (VCV004531670.1).
Genomic context (GRCh38, chr17:58,005,464, plus strand): 5'-TCTTATGTACGAGAGCGAGATCTGCTATGACGGGGAGAATAGCGTGGTGATCCTCTGCTT[C>T]TCCTTGGGGAGTAACTGCGACTCCTGCTGTTGCTTCTGCTACGGCTTCTGCTACGACTAC-3'
Protein context (NP_008855.1, residues 220-240): NSRSRSYSPR[Arg230Lys]SRGSPRYSPR

ClinVar aggregate classification (germline): Likely pathogenic (1 of 4 stars; one submission).

Conditions:
Neurodevelopmental disorder with dysmorphic facies and behavioral abnormalities (NEDFBA). Identifiers: MedGen C5882684, MONDO:0957583, OMIM 620489.

Submission:

Victorian Clinical Genetics Services, Murdoch Childrens Research Institute
Classification: Likely pathogenic for Neurodevelopmental disorder with dysmorphic facies and behavioral abnormalities. Last evaluated: 2025-08-07. Review status: criteria provided, single submitter. Criteria: ACMG Guidelines, 2015. Collection method: clinical testing. Allele origin: germline. Affected: yes.
Comment: This variant is classified as Likely pathogenic. Evidence in support of pathogenic classification: Variant is absent from gnomAD (v2, v3 and v4); Missense variant in a region that is highly intolerant to missense variation (high constraint region in DECIPHER); Evidence in support of benign classification: Missense variant predicted to be tolerated by in silico tool(s) or not conserved in placental mammals with a minor amino acid change. Additional information: Variant is predicted to result in a missense amino acid change from Arg to Lys; This variant is non-coding in an alternative transcript. This variant is located in the 3'UTR in an alternative transcript, NM_001078166.2; This variant is heterozygous; This gene is associated with autosomal dominant disease; This variant has no previous evidence of pathogenicity; No published evidence of segregation with disease has been identified for this variant; No published functional evidence has been identified for this variant; No comparable missense variants have previous evidence for pathogenicity; Loss of function is a known mechanism of disease in this gene and is associated with neurodevelopmental disorder with dysmorphic facies and behavioural abnormalities (MIM#620489).